The following is an entry in ClinVar:

ClinVar aggregate classification (germline): Benign/Likely benign. Review status: criteria provided, multiple submitters, no conflicts (2 of 4 stars). 6 submissions from 2 submitters: Benign (5); Likely benign (1). Last evaluated 2021-03-21.

Conditions:
Sulfate transporter-related osteochondrodysplasia. Also called: DTDST-related dysplasias. Identifiers: MedGen CN120497. Disease mechanism: loss of function.
Achondrogenesis, type IB (ACG1B). Also called: Achondrogenesis Type 1B. Identifiers: Orphanet 932, Orphanet 93298, MedGen C0265274, MONDO:0010966, OMIM 600972.
Atelosteogenesis type II (AO2). Also called: NEONATAL OSSEOUS DYSPLASIA I; Neonatal osseous dysplasia 1; SLC26A2-Related Atelosteogenesis. Identifiers: Orphanet 56304, MedGen C1850554, MONDO:0009727, OMIM 256050.
Diastrophic dysplasia (DTD). Also called: Diastrophic dwarfism. Identifiers: Orphanet 628, MedGen C0220726, MONDO:0009107, OMIM 222600.
Multiple epiphyseal dysplasia type 4 (EDM4). Also called: MULTIPLE EPIPHYSEAL DYSPLASIA WITH BILAYERED PATELLAE; MULTIPLE EPIPHYSEAL DYSPLASIA WITH CLUBFOOT; MULTIPLE EPIPHYSEAL DYSPLASIA, AUTOSOMAL RECESSIVE; SLC26A2-Related Multiple Epiphyseal Dysplasia; Multiple Epiphyseal Dysplasia, Recessive. Identifiers: Orphanet 93307, MedGen C1847593, MONDO:0009189, OMIM 226900.

Allele frequency attached by ClinVar (database versions not stated): gnomAD 0.00148 and 0.00206; TOPMed 0.00196; 1000 Genomes Project 30x 0.01109; 1000 Genomes Project 0.01238.

Submissions (6):

ARUP Laboratories, Molecular Genetics and Genomics, ARUP Laboratories
Classification: Benign. Last evaluated: 2021-03-21. Review status: criteria provided, single submitter. Criteria: ARUP Molecular Germline Variant Investigation Process 2021. Collection method: clinical testing. Allele origin: germline.

Illumina Laboratory Services, Illumina
Classification: Benign for Atelosteogenesis type II. Last evaluated: 2018-01-13. Review status: criteria provided, single submitter. Criteria: ICSL Variant Classification Criteria 13 December 2019. Collection method: clinical testing. Allele origin: germline.
Comment: This variant was observed in the ICSL laboratory as part of a predisposition screen in an ostensibly healthy population. It had not been previously curated by ICSL or reported in the Human Gene Mutation Database (HGMD: prior to June 1st, 2018), and was therefore a candidate for classification through an automated scoring system. Utilizing variant allele frequency, disease prevalence and penetrance estimates, and inheritance mode, an automated score was calculated to assess if this variant is too frequent to cause the disease. Based on the score and internal cut-off values, a variant classified as benign is not then subjected to further curation. The score for this variant resulted in a classification of benign for this disease.

Illumina Laboratory Services, Illumina
Classification: Benign for Multiple epiphyseal dysplasia type 4. Last evaluated: 2018-01-13. Review status: criteria provided, single submitter. Criteria: ICSL Variant Classification Criteria 13 December 2019. Collection method: clinical testing. Allele origin: germline.
Comment: the same text as in the submission from Illumina Laboratory Services, Illumina above.

Illumina Laboratory Services, Illumina
Classification: Likely benign for Osteochondrodysplasia. Last evaluated: 2018-01-13. Review status: criteria provided, single submitter. Criteria: ICSL Variant Classification Criteria 13 December 2019. Collection method: clinical testing. Allele origin: germline.
Comment: This variant was observed in the ICSL laboratory as part of a predisposition screen in an ostensibly healthy population. It had not been previously curated by ICSL or reported in the Human Gene Mutation Database (HGMD: prior to June 1st, 2018), and was therefore a candidate for classification through an automated scoring system. Utilizing variant allele frequency, disease prevalence and penetrance estimates, and inheritance mode, an automated score was calculated to assess if this variant is too frequent to cause the disease. Based on the score and internal cut-off values, a variant classified as likely benign is not then subjected to further curation. The score for this variant resulted in a classification of likely benign for this disease.

Illumina Laboratory Services, Illumina
Classification: Benign for Diastrophic dysplasia. Last evaluated: 2018-01-13. Review status: criteria provided, single submitter. Criteria: ICSL Variant Classification Criteria 13 December 2019. Collection method: clinical testing. Allele origin: germline.
Comment: the same text as in the submission from Illumina Laboratory Services, Illumina above.

Illumina Laboratory Services, Illumina
Classification: Benign for Achondrogenesis, type IB. Last evaluated: 2018-01-13. Review status: criteria provided, single submitter. Criteria: ICSL Variant Classification Criteria 13 December 2019. Collection method: clinical testing. Allele origin: germline.
Comment: the same text as in the submission from Illumina Laboratory Services, Illumina above.

NM_000112.4(SLC26A2):c.*600G>T

Gene: SLC26A2 (solute carrier family 26 member 2; plus strand). Cytogenetic location: 5q32.
Variant type: single nucleotide variant.
Coding change: c.*600G>T on transcript NM_000112.4 (MANE Select); 600 bases downstream of the stop codon, G replaced by T.
Molecular consequence: 3 prime UTR variant.
Genome position (GRCh38, 1-based): chr5:149,982,413, G>T. VCF-style: chr5-149982413-G-T. GRCh37 (hg19) VCF-style: chr5-149361976-G-T.
Identifiers: ClinVar variation 352042 (VCV000352042.12), dbSNP rs143723255, ClinGen allele CA10620834.